The following is an entry in ClinVar:

ClinVar aggregate classification (germline): Uncertain significance. Review status: criteria provided, multiple submitters, no conflicts (2 of 4 stars). 2 submissions from 2 submitters: Uncertain significance (2). Last evaluated 2025-06-17.

Conditions:
PLAA-related disorder. Also called: PLAA-related condition.

Allele frequency attached by ClinVar (database versions not stated): TOPMed below 0.00001; gnomAD exomes 0.00001.
gnomAD v4.1: 3 of 1,590,518 alleles (0.00019%); highest among the groups gnomAD compares: Non-Finnish European, 0.000086%; no homozygotes.

Submissions (2):

PreventionGenetics, part of Exact Sciences
Classification: Uncertain significance for PLAA-related condition. Last evaluated: 2025-06-17. Review status: criteria provided, single submitter. Criteria: ACMG Guidelines, 2015. Collection method: clinical testing. Allele origin: germline.
Comment: The PLAA c.83C>T variant is predicted to result in the amino acid substitution p.Ala28Val. To our knowledge, this variant has not been reported in the literature or in a large population database (gnomAD), indicating this variant is rare. At this time, the clinical significance of this variant is uncertain due to the absence of conclusive functional and genetic evidence.

Labcorp Genetics (formerly Invitae), Labcorp
Classification: Uncertain significance. Last evaluated: 2024-06-03. Review status: criteria provided, single submitter. Criteria: Invitae Variant Classification Sherloc (09022015). Collection method: clinical testing. Allele origin: germline.
Comment: This sequence change replaces alanine, which is neutral and non-polar, with valine, which is neutral and non-polar, at codon 28 of the PLAA protein (p.Ala28Val). This variant is not present in population databases (gnomAD no frequency). This variant has not been reported in the literature in individuals affected with PLAA-related conditions. ClinVar contains an entry for this variant (Variation ID: 1982277). An algorithm developed to predict the effect of missense changes on protein structure and function (PolyPhen-2) suggests that this variant is likely to be tolerated. In summary, the available evidence is currently insufficient to determine the role of this variant in disease. Therefore, it has been classified as a Variant of Uncertain Significance.

NM_001031689.3(PLAA):c.83C>T (p.Ala28Val)

Gene: PLAA (phospholipase A2 activating protein; minus strand). Cytogenetic location: 9p21.2.
Variant type: single nucleotide variant.
Coding change: c.83C>T on transcript NM_001031689.3 (MANE Select); coding-DNA position 83, C replaced by T.
Protein change: p.Ala28Val; replaces alanine 28 with valine.
Molecular consequence: missense variant.
Genome position (GRCh38, 1-based): chr9:26,946,963, G>A on the plus strand (C>T on the coding strand, the complement: PLAA is on the minus strand). VCF-style: chr9-26946963-G-A. GRCh37 (hg19) VCF-style: chr9-26946961-G-A.
Other names: c.83C>T (NM_001031689.2); c.83C>T, p.Ala28Val (NM_001321546.2); short protein forms A28V.
Identifiers: ClinVar variation 1982277 (VCV001982277.5), dbSNP rs1825749249, ClinGen allele CA373114730.